The following is an entry in ClinVar:

ClinVar aggregate classification (germline): Uncertain significance. Review status: criteria provided, multiple submitters, no conflicts (2 of 4 stars). 2 submissions from 2 submitters: Uncertain significance (2). Last evaluated 2025-12-03.

Conditions:
Epidermolysis bullosa simplex 5B, with muscular dystrophy (EBS5B). Also called: Epidermolysis bullosa simplex with muscular dystrophy; EPIDERMOLYSIS BULLOSA SIMPLEX AND LIMB-GIRDLE MUSCULAR DYSTROPHY. Identifiers: Orphanet 257, MedGen C2931072, MONDO:0009181, OMIM 226670.
Autosomal recessive limb-girdle muscular dystrophy type 2Q (LGMDR17). Also called: MUSCULAR DYSTROPHY, LIMB-GIRDLE, AUTOSOMAL RECESSIVE 17. Identifiers: Orphanet 254361, MedGen C3150989, MONDO:0013390, OMIM 613723.
Epidermolysis bullosa simplex, Ogna type (EBS5A). Also called: Pidermolysis bullosa simplex 5A, Ogna type; EPIDERMOLYSIS BULLOSA SIMPLEX 5A, OGNA TYPE. Identifiers: Orphanet 79401, MedGen C0432317, MONDO:0007555, OMIM 131950.
Epidermolysis bullosa simplex 5C, with pyloric atresia (EBS5C). Also called: PLEC-Related Epidermolysis Bullosa with Pyloric Atresia; Epidermolysis bullosa simplex with pyloric atresia; PLEC1-Related Epidermolysis Bullosa with Pyloric Atresia. Identifiers: Orphanet 158684, MedGen C2677349, MONDO:0012807, OMIM 612138.
Epidermolysis bullosa simplex with nail dystrophy (EBS5D). Identifiers: MedGen C4225309, MONDO:0014661, OMIM 616487.
Inborn genetic diseases. Identifiers: MedGen C0950123, MeSH D030342.

gnomAD v4.1: 5 of 1,604,442 alleles (0.00031%); highest among the groups gnomAD compares: Non-Finnish European, 0.00034%; no homozygotes.

Submissions (2):

Ambry Genetics
Classification: Uncertain significance for Inborn genetic diseases. Last evaluated: 2025-12-03. Review status: criteria provided, single submitter. Criteria: Ambry Variant Classification Scheme 2023. Collection method: clinical testing. Allele origin: germline.

Labcorp Genetics (formerly Invitae), Labcorp
Classification: Uncertain significance for Autosomal recessive limb-girdle muscular dystrophy type 2Q; Epidermolysis bullosa simplex, Ogna type; Epidermolysis bullosa simplex with nail dystrophy; Epidermolysis bullosa simplex 5C, with pyloric atresia; Epidermolysis bullosa simplex 5B, with muscular dystrophy. Last evaluated: 2025-07-03. Review status: criteria provided, single submitter. Criteria: Invitae Variant Classification Sherloc (09022015). Collection method: clinical testing. Allele origin: germline.
Comment: This sequence change replaces glutamic acid, which is acidic and polar, with glycine, which is neutral and non-polar, at codon 2295 of the PLEC protein (p.Glu2295Gly). The frequency data for this variant in the population databases is considered unreliable, as metrics indicate poor data quality at this position in the gnomAD database. This variant has not been reported in the literature in individuals affected with PLEC-related conditions. An algorithm developed to predict the effect of missense changes on protein structure and function (PolyPhen-2) suggests that this variant is likely to be disruptive. In summary, the available evidence is currently insufficient to determine the role of this variant in disease. Therefore, it has been classified as a Variant of Uncertain Significance.

NM_201384.3(PLEC):c.6803A>G (p.Glu2268Gly)

Gene: PLEC (plectin; minus strand). Cytogenetic location: 8q24.3.
Variant type: single nucleotide variant.
Coding change: c.6803A>G on transcript NM_201384.3 (MANE Select); coding-DNA position 6803, A replaced by G.
Protein change: p.Glu2268Gly; replaces glutamic acid 2268 with glycine.
Molecular consequence: missense variant. On other transcripts: intron variant (1).
Genome position (GRCh38, 1-based): chr8:143,923,126, T>C on the plus strand (A>G on the coding strand, the complement: PLEC is on the minus strand). VCF-style: chr8-143923126-T-C. GRCh37 (hg19) VCF-style: chr8-144997294-T-C.
Other names: c.6884A>G, p.Glu2295Gly (NM_000445.5); c.6761A>G, p.Glu2254Gly (NM_201378.4); c.6737A>G, p.Glu2246Gly (NM_201379.3); c.7214A>G, p.Glu2405Gly (NM_201380.4); c.6707A>G, p.Glu2236Gly (NM_201381.3); c.6803A>G, p.Glu2268Gly (NM_201382.4); c.6815A>G, p.Glu2272Gly (NM_201383.3); c.4126-731A>G (NM_001410941.1); short protein forms E2246G, E2268G, E2236G, E2295G, E2405G, E2272G, E2254G.
Identifiers: ClinVar variation 4627939 (VCV004627939.2).